The following is an entry in ClinVar:

NM_002834.5(PTPN11):c.1663G>A (p.Gly555Arg)

Gene: PTPN11 (protein tyrosine phosphatase non-receptor type 11; plus strand). Cytogenetic location: 12q24.13.
Variant type: single nucleotide variant.
Coding change: c.1663G>A on transcript NM_002834.5 (MANE Select); coding-DNA position 1663, G replaced by A.
Protein change: p.Gly555Arg; replaces glycine 555 with arginine.
Molecular consequence: missense variant.
Genome position (GRCh38, 1-based): chr12:112,502,207, G>A. VCF-style: chr12-112502207-G-A. GRCh37 (hg19) VCF-style: chr12-112940011-G-A.
Other names: c.1675G>A, p.Gly559Arg (NM_001330437.2); c.1660G>A, p.Gly554Arg (NM_001374625.1); short protein forms G554R, G555R, G559R.
Identifiers: ClinVar variation 4782139 (VCV004782139.1).

ClinVar aggregate classification (germline): Uncertain significance (1 of 4 stars; one submission).

Conditions:
RASopathy. Also called: rasopathies; Noonan spectrum disorder. Identifiers: Orphanet 536391, MedGen C5555857, MONDO:0021060.

gnomAD v4.1: 2 of 1,613,904 alleles (0.00012%); highest among the groups gnomAD compares: Middle Eastern, 0.017%; no homozygotes.

Submission:

Labcorp Genetics (formerly Invitae), Labcorp
Classification: Uncertain significance for RASopathy. Last evaluated: 2026-01-09. Review status: criteria provided, single submitter. Criteria: Invitae Variant Classification Sherloc (09022015). Collection method: clinical testing. Allele origin: germline.
Comment: This sequence change replaces glycine, which is neutral and non-polar, with arginine, which is basic and polar, at codon 555 of the PTPN11 protein (p.Gly555Arg). This variant is not present in population databases (gnomAD no frequency). This variant has not been reported in the literature in individuals affected with PTPN11-related conditions. Invitae Evidence Modeling of protein sequence and biophysical properties (such as structural, functional, and spatial information, amino acid conservation, physicochemical variation, residue mobility, and thermodynamic stability) indicates that this missense variant is not expected to disrupt PTPN11 protein function with a negative predictive value of 80%. In summary, the available evidence is currently insufficient to determine the role of this variant in disease. Therefore, it has been classified as a Variant of Uncertain Significance.